The following is an entry in ClinVar:

NM_007186.6(CEP250):c.1447G>A (p.Glu483Lys)

Genes: CEP250 (centrosomal protein 250; plus strand), CEP250-AS1 (CEP250 antisense RNA 1; minus strand). Cytogenetic location: 20q11.22.
Variant type: single nucleotide variant.
Coding change: c.1447G>A on transcript NM_007186.6 (MANE Select); coding-DNA position 1447, G replaced by A.
Protein change: p.Glu483Lys; replaces glutamic acid 483 with lysine.
Molecular consequence: missense variant. On other transcripts: 5 prime UTR variant (1).
Genome position (GRCh38, 1-based): chr20:35,473,928, G>A. VCF-style: chr20-35473928-G-A. GRCh37 (hg19) VCF-style: chr20-34061753-G-A.
Other names: c.-453G>A (NM_001318219.1); short protein forms E483K.
Identifiers: ClinVar variation 1469168 (VCV001469168.6), dbSNP rs2146799795, ClinGen allele CA408762551.

ClinVar aggregate classification (germline): Uncertain significance (1 of 4 stars; one submission).

Submission:

Labcorp Genetics (formerly Invitae), Labcorp
Classification: Uncertain significance. Last evaluated: 2021-08-31. Review status: criteria provided, single submitter. Criteria: Invitae Variant Classification Sherloc (09022015). Collection method: clinical testing. Allele origin: germline.
Comment: This sequence change replaces glutamic acid with lysine at codon 483 of the CEP250 protein (p.Glu483Lys). The glutamic acid residue is highly conserved and there is a small physicochemical difference between glutamic acid and lysine. This variant is not present in population databases (ExAC no frequency). This variant has not been reported in the literature in individuals affected with CEP250-related conditions. Algorithms developed to predict the effect of missense changes on protein structure and function are either unavailable or do not agree on the potential impact of this missense change (SIFT: "Not Available"; PolyPhen-2: "Benign"; Align-GVGD: "Not Available"). In summary, the available evidence is currently insufficient to determine the role of this variant in disease. Therefore, it has been classified as a Variant of Uncertain Significance.